The following is an entry in ClinVar:

ClinVar aggregate classification (germline): Uncertain significance (1 of 4 stars; one submission).

Submission:

GeneDx
Classification: Uncertain significance. Last evaluated: 2023-03-20. Review status: criteria provided, single submitter. Criteria: GeneDx Variant Classification Process June 2021. Collection method: clinical testing. Allele origin: germline. Affected: yes.
Comment: Not observed at significant frequency in large population cohorts (gnomAD); In silico analysis supports that this missense variant has a deleterious effect on protein structure/function; Has not been previously published as pathogenic or benign to our knowledge

NM_007118.4(TRIO):c.1583C>T (p.Ala528Val)

Gene: TRIO (trio Rho guanine nucleotide exchange factor; plus strand). Cytogenetic location: 5p15.2.
Variant type: single nucleotide variant.
Coding change: c.1583C>T on transcript NM_007118.4 (MANE Select); coding-DNA position 1583, C replaced by T.
Protein change: p.Ala528Val; replaces alanine 528 with valine.
Molecular consequence: missense variant. On other transcripts: non-coding transcript variant (1).
Genome position (GRCh38, 1-based): chr5:14,316,595, C>T. VCF-style: chr5-14316595-C-T. GRCh37 (hg19) VCF-style: chr5-14316704-C-T.
Other names: short protein forms A528V.
Identifiers: ClinVar variation 2580501 (VCV002580501.1), dbSNP rs2532308757, ClinGen allele CA359227341.